The following is an entry in ClinVar:

ClinVar aggregate classification (germline): Uncertain significance (1 of 4 stars; one submission).

Conditions:
Familial intrahepatic cholestasis. Identifiers: Orphanet 284385, MedGen CN296401, MONDO:0017290.

Submission:

Genomenon, Inc
Classification: Uncertain significance for Familial intrahepatic cholestasis. Last evaluated: 2026-04-14. Review status: criteria provided, single submitter. Criteria: Genomenon Sequence Variant Interpretation Standards - Updated. Collection method: curation. Allele origin: germline. Affected: yes.
Comment: ABCB11 p.Leu1054Arg (c.3161T>G) is a missense variant that changes the amino acid at residue 1054 from Leucine to Arginine. This variant has been observed in at least one proband with an ABCB11-related disorder (PMID:39271630). It is absent or not present at a significant frequency in gnomAD. In silico models predict that this variant is possibly or probably damaging. In conclusion, we classify ABCB11 p.Leu1054Arg (c.3161T>G) as a variant of uncertain significance.

Literature cited by the submitters: PubMed 39271630.

NM_003742.4(ABCB11):c.3161T>G (p.Leu1054Arg)

Gene: ABCB11 (ATP binding cassette subfamily B member 11; minus strand). Cytogenetic location: 2q31.1.
Variant type: single nucleotide variant.
Coding change: c.3161T>G on transcript NM_003742.4 (MANE Select); coding-DNA position 3161, T replaced by G.
Protein change: p.Leu1054Arg; replaces leucine 1054 with arginine.
Molecular consequence: missense variant.
Genome position (GRCh38, 1-based): chr2:168,932,429, A>C on the plus strand (T>G on the coding strand, the complement: ABCB11 is on the minus strand). VCF-style: chr2-168932429-A-C. GRCh37 (hg19) VCF-style: chr2-169788939-A-C.
Other names: short protein forms L1054R.
Identifiers: ClinVar variation 4846074 (VCV004846074.1).